The following is an entry in ClinVar:

NM_016953.4(PDE11A):c.171del (p.Thr58fs)

Gene: PDE11A (phosphodiesterase 11A; minus strand). Cytogenetic location: 2q31.2.
Variant type: Deletion.
Coding change: c.171del on transcript NM_016953.4 (MANE Select); coding-DNA position 171, one base deleted (T; older notation c.171delT).
Protein change: p.Thr58fs; shifts the reading frame from threonine 58.
Molecular consequence: frameshift variant. On other transcripts: intron variant (1).
Genome position (GRCh38, 1-based): chr2:178,072,267, A deleted on the plus strand (T on the coding strand, the reverse complement: PDE11A is on the minus strand). VCF-style (leftmost placement, unchanged base first): chr2-178072266-TA-T. GRCh37 (hg19) VCF-style: chr2-178936993-TA-T.
Other names: c.162+32035del (NM_001077197.2); c.171del (NM_016953.3); short protein forms T58fs.
Identifiers: ClinVar variation 208602 (VCV000208602.35), dbSNP rs529789124, ClinGen allele CA204575.

ClinVar aggregate classification (germline): Conflicting classifications of pathogenicity. Review status: criteria provided, conflicting classifications (1 of 4 stars). 8 submissions from 8 submitters: Uncertain significance (1); Benign (3); Likely benign (2). 2 of the submissions do not count toward it. Last evaluated 2026-05-01.

Conditions:
PDE11A-related disorder. Also called: PDE11A-related condition.
Bardet-Biedl syndrome 16 (BBS16). Identifiers: Orphanet 110, MedGen C3889474, MONDO:0014444, OMIM 615993.
Pigmented nodular adrenocortical disease, primary, 2 (PPNAD2). Also called: CUSHING SYNDROME, ADRENAL, DUE TO PPNAD2; PIGMENTED MICRONODULAR ADRENOCORTICAL DISEASE, PRIMARY, 2. Identifiers: Orphanet 189439, MedGen C1864851, MONDO:0012505, OMIM 610475.

Allele frequency attached by ClinVar (database versions not stated): gnomAD 0.00184 and 0.00056; gnomAD exomes 0.00309 and 0.00563; ExAC 0.00646; 1000 Genomes Project 30x 0.00921; 1000 Genomes Project 0.00938; ESP Exome Variant Server 0.00048; TOPMed 0.00094.

Submissions (8):

CeGaT Center for Human Genetics Tuebingen
Classification: Benign. Last evaluated: 2026-05-01. Review status: criteria provided, single submitter. Criteria: CeGaT Center For Human Genetics Tuebingen Variant Classification Criteria Version 2. Collection method: clinical testing. Allele origin: germline. Affected: yes. Observed: 3 variant alleles.
Comment: PDE11A: BS1, BS2

Genomic Medicine Center of Excellence, King Faisal Specialist Hospital and Research Centre
Classification: Likely benign for Pigmented nodular adrenocortical disease, primary, 2. Last evaluated: 2024-04-04. Review status: criteria provided, single submitter. Criteria: ACMG Guidelines, 2015. Collection method: clinical testing. Allele origin: germline.

Labcorp Genetics (formerly Invitae), Labcorp
Classification: Benign. Last evaluated: 2019-12-31. Review status: criteria provided, single submitter. Criteria: Invitae Variant Classification Sherloc (09022015). Collection method: clinical testing. Allele origin: germline.

Laboratory for Molecular Medicine, Mass General Brigham Personalized Medicine
Classification: Uncertain significance. Last evaluated: 2016-11-28. Review status: criteria provided, single submitter. Criteria: ACMG Guidelines, 2015. Collection method: clinical testing. Allele origin: germline. Inheritance: Autosomal unknown. Study: CSER-MedSeq.
Comment: The p.Thr58ProfsX41 variant in PDE11A has been reported in 1 individual with adrenocortical hyperplasia and Cushing syndrome, and segregated with disease in 1 parent with hypertension, obesity, and bilaterally enlarged adrenal glands (Horvath 2006). This variant has also been reported in 1 individual with acromegaly (Peverelli 2009) and in 3 individuals with Carney complex who also carried PRKAR1A variants, and was considered to be a possible modifier of disease in these individuals (Libe 2011). The p.Thr58ProfsX41 variant is predicted to cause a frameshift, which alters the protein’s amino acid sequence beginning at position 58 and leads to a premature termination codon 41 amino acids downstream. This alteration is then predicted to lead to a truncated or absent protein. Several loss-of-function PDE11A variants have been described in individuals with Cushing syndrome and with adrenal hyperplasia with established loss-of-heterozygosity in somatic tissue (Horvath 2006, Carney 2010, Libe 2011). However, this variant has been identified in 4% (647/16342; 17 homozygotes) of South Asian chromosomes by the Exome Aggregation Consortium (ExAC) calling into question the validity of a pathogenic interpretation and leaving the clinical significance of the p.Thr58ProfsX41 variant as uncertain.

GeneDx
Classification: Benign. Last evaluated: 2016-07-12. Review status: criteria provided, single submitter. Criteria: GeneDx Variant Classification (06012015). Collection method: clinical testing. Allele origin: germline. Affected: yes.
Comment: This variant is considered likely benign or benign based on one or more of the following criteria: it is a conservative change, it occurs at a poorly conserved position in the protein, it is predicted to be benign by multiple in silico algorithms, and/or has population frequency not consistent with disease.

Broad Center for Mendelian Genomics, Broad Institute of MIT and Harvard
Classification: Likely benign for Bardet-Biedl syndrome 16. Review status: criteria provided, single submitter. Criteria: ACMG Guidelines, 2015. Collection method: research. Allele origin: germline. Affected: yes.
Comment: The c.171delT variant in PDE11A has been identified in 6 individuals with possible adrenocortical hyperplasia (PMID: 16767104, 19671705, 20351491, 21047926), and has been identified in >3% of South Asian chromosomes and 18 homozygotes by ExAC. In summary, although additional studies are required to fully establish its clinical significance, this variant meets criteria to be classified as likely benign for adrenocortical hyperplasia.

PreventionGenetics, part of Exact Sciences
Classification: Benign for PDE11A-related condition. Last evaluated: 2020-12-11. Review status: no assertion criteria provided. Collection method: clinical testing. Allele origin: germline. Not counted in ClinVar's aggregate classification.
Comment: This variant is classified as benign based on ACMG/AMP sequence variant interpretation guidelines (Richards et al. 2015 PMID: 25741868, with internal and published modifications).

OMIM
Classification: Uncertain significance for RECLASSIFIED - VARIANT OF UNKNOWN SIGNIFICANCE. Last evaluated: 2006-07-01. Review status: no assertion criteria provided. Collection method: literature only. Allele origin: germline. Not counted in ClinVar's aggregate classification.

Literature cited by the submitters: PubMed 16767104 (cited by 3 submitters); PubMed 21047926 (cited by Laboratory for Molecular Medicine, Mass General Brigham Personalized Medicine and Broad Center for Mendelian Genomics, Broad Institute of MIT and Harvard); PubMed 20351491 (cited by Laboratory for Molecular Medicine, Mass General Brigham Personalized Medicine and Broad Center for Mendelian Genomics, Broad Institute of MIT and Harvard); PubMed 19671705 (cited by Broad Center for Mendelian Genomics, Broad Institute of MIT and Harvard); PubMed 27535533 (cited by OMIM).